The following is an entry in ClinVar:

NM_002439.5(MSH3):c.1763G>A (p.Arg588Lys)

Gene: MSH3 (mutS homolog 3; plus strand). Cytogenetic location: 5q14.1.
Variant type: single nucleotide variant.
Coding change: c.1763G>A on transcript NM_002439.5 (MANE Select); coding-DNA position 1763, G replaced by A.
Protein change: p.Arg588Lys; replaces arginine 588 with lysine.
Molecular consequence: missense variant.
Genome position (GRCh38, 1-based): chr5:80,744,615, G>A. VCF-style: chr5-80744615-G-A. GRCh37 (hg19) VCF-style: chr5-80040434-G-A.
Other names: short protein forms R588K.
Identifiers: ClinVar variation 2146024 (VCV002146024.4), dbSNP rs2546762102, ClinGen allele CA360274853.
Genomic context (GRCh38, chr5:80,744,615, plus strand): 5'-AAACTTCATTTGGGAGACGGAAGTTAAAGAAGTGGGTGACCCAGCCACTCCTTAAATTAA[G>A]GTAAAAGGAATTCTTTTTGGGGTGTTTAATCTGAAATTATAAAATTTTGAAATTAAAGGC-3'
Protein context (NP_002430.3, residues 578-598): KWVTQPLLKL[Arg588Lys]EINARLDAVS

ClinVar aggregate classification (germline): Uncertain significance (1 of 4 stars; one submission).

Allele frequency attached by ClinVar (database versions not stated): gnomAD exomes below 0.00001.
gnomAD v4.1: 2 of 1,604,782 alleles (0.00012%); highest among the groups gnomAD compares: South Asian, 0.0011%; no homozygotes.

Submission:

Labcorp Genetics (formerly Invitae), Labcorp
Classification: Uncertain significance. Last evaluated: 2022-04-19. Review status: criteria provided, single submitter. Criteria: Invitae Variant Classification Sherloc (09022015). Collection method: clinical testing. Allele origin: germline.
Comment: Algorithms developed to predict the effect of missense changes on protein structure and function (SIFT, PolyPhen-2, Align-GVGD) all suggest that this variant is likely to be tolerated. This variant has not been reported in the literature in individuals affected with MSH3-related conditions. This variant is not present in population databases (gnomAD no frequency). This sequence change replaces arginine, which is basic and polar, with lysine, which is basic and polar, at codon 588 of the MSH3 protein (p.Arg588Lys). This variant also falls at the last nucleotide of exon 12, which is part of the consensus splice site for this exon. In summary, the available evidence is currently insufficient to determine the role of this variant in disease. Therefore, it has been classified as a Variant of Uncertain Significance. Variants that disrupt the consensus splice site are a relatively common cause of aberrant splicing (PMID: 17576681, 9536098). Algorithms developed to predict the effect of sequence changes on RNA splicing suggest that this variant may disrupt the consensus splice site.

Literature cited by the submitters: PubMed 17576681; PubMed 9536098.